The following is an entry in ClinVar:

ClinVar aggregate classification (germline): Uncertain significance (1 of 4 stars; one submission).

Conditions:
Neurofibromatosis, type 1 (NF1). Also called: VON RECKLINGHAUSEN DISEASE; NEUROFIBROMATOSIS, TYPE I, SOMATIC; Neurofibromatosis, type I; Peripheral type neurofibromatosis. Identifiers: Orphanet 636, MedGen C0027831, MONDO:0018975, OMIM 162200. Disease mechanism: loss of function.

Submission:

Labcorp Genetics (formerly Invitae), Labcorp
Classification: Uncertain significance for Neurofibromatosis, type 1. Last evaluated: 2023-01-11. Review status: criteria provided, single submitter. Criteria: Invitae Variant Classification Sherloc (09022015). Collection method: clinical testing. Allele origin: germline.
Comment: In summary, the available evidence is currently insufficient to determine the role of this variant in disease. Therefore, it has been classified as a Variant of Uncertain Significance. Advanced modeling of protein sequence and biophysical properties (such as structural, functional, and spatial information, amino acid conservation, physicochemical variation, residue mobility, and thermodynamic stability) performed at Invitae indicates that this missense variant is expected to disrupt NF1 protein function. This variant has not been reported in the literature in individuals affected with NF1-related conditions. This variant is not present in population databases (gnomAD no frequency). This sequence change replaces alanine, which is neutral and non-polar, with serine, which is neutral and polar, at codon 2076 of the NF1 protein (p.Ala2076Ser).

NM_001042492.3(NF1):c.6289G>T (p.Ala2097Ser)

Gene: NF1 (neurofibromin 1; plus strand). Cytogenetic location: 17q11.2.
Variant type: single nucleotide variant.
Coding change: c.6289G>T on transcript NM_001042492.3 (MANE Select); coding-DNA position 6289, G replaced by T.
Protein change: p.Ala2097Ser; replaces alanine 2097 with serine.
Molecular consequence: missense variant.
Genome position (GRCh38, 1-based): chr17:31,336,776, G>T. VCF-style: chr17-31336776-G-T. GRCh37 (hg19) VCF-style: chr17-29663794-G-T.
Other names: c.6226G>T, p.Ala2076Ser (NM_000267.4); short protein forms A2076S, A2097S.
Identifiers: ClinVar variation 2827487 (VCV002827487.3), dbSNP rs2151554708, ClinGen allele CA399012218.